The following continues an entry in ClinVar:

NM_000256.3(MYBPC3):c.1483C>T (p.Arg495Trp)

Gene: MYBPC3. ClinVar aggregate classification (germline): Likely pathogenic. Likely pathogenic (1).

Submissions 9 to 19 of 19:

Illumina Laboratory Services, Illumina
Classification: Likely pathogenic for Hypertrophic cardiomyopathy 4. Last evaluated: 2023-05-19. Review status: criteria provided, single submitter. Criteria: ICSLVariantClassificationCriteria RUGD 01 April 2020. Collection method: clinical testing. Allele origin: unknown. Not counted in ClinVar's aggregate classification.
Comment: The MYBPC3 c.1483C>T (p.Arg495Trp) missense variant has been identified in a heterozygous state in at least five individuals with hypertrophic cardiomyopathy (PMID: 19150014; PMID: 22765922; PMID: 27532257). The variant has also been found in a heterozygous state in asymptomatic individuals suggesting reduced penetrance (PMID: 19150014). The c.1483C>T variant was not observed in version 2.1.1 or version 3.1.2 of the Genome Aggregation Database. Additionally, two different amino acid substitutions at the same codon [(p.Arg495Gln) and (p.Arg495Gly)] have been reported in individuals with hypertrophic cardiomyopathy (PMID: 27532257; ClinVar). Multiple lines of computational evidence suggest the variant may impact the gene or gene product. This variant has been classified as pathogenic or likely pathogenic by at least three submitters in ClinVar. Based on the available evidence, the c.1483C>T (p.Arg495Trp) variant is classified as likely pathogenic for hypertrophic cardiomyopathy.

Laboratory for Molecular Medicine, Mass General Brigham Personalized Medicine
Classification: Likely pathogenic for Hypertrophic cardiomyopathy. Last evaluated: 2023-04-06. Review status: criteria provided, single submitter. Criteria: ACMG Guidelines, 2015. Collection method: clinical testing. Allele origin: germline. Inheritance: Autosomal dominant inheritance. Not counted in ClinVar's aggregate classification.
Comment: The p.Arg495Trp variant in MYBPC3 has been reported in at least 15 individuals with hypertrophic cardiomyopathy (HCM; Rodríguez-García 2010 PMID: 20433692, Coto 2012 PMID: 22765922, Rubattu 2016 PMID: 27483260, Walsh 2017 PMID: 27532257, Restrepo-Cordoba 2017 PMID: 28138913, Kim 2020 PMID: 32492895, Lipari 2020 PMID: 31919335, Sepp 2022 PMID: 35626289, LMM data), including in 1 individual who also had another pathogenic variant in MYBPC3 (Berge 2014 PMID: 24111713). This variant was also been identified by other clinical laboratories in ClinVar (Variation ID: 164114) and has also been identified in 0.001% (1/68028) of European chromosomes by gnomAD (v.3.1.2). Computational prediction tools and conservation analyses do not provide strong support for or against an impact to the protein. Additionally, a variant involving this codon (p.Arg495Gln) have been identified in individuals with HCM and has been classified as pathogenic by this laboratory. In summary, although additional studies are required to fully establish its clinical significance, this variant meets criteria to be classified as likely pathogenic for autosomal dominant HCM. ACMG/AMP Criteria applied: PS4, PM2_Supporting, PM5.

Neuberg Centre For Genomic Medicine, NCGM
Classification: Likely pathogenic for Hypertrophic cardiomyopathy 4. Last evaluated: 2023-03-01. Review status: criteria provided, single submitter. Criteria: ACMG Guidelines, 2015. Collection method: clinical testing. Allele origin: germline. Inheritance: Autosomal dominant inheritance. Affected: yes. Not counted in ClinVar's aggregate classification.
Comment: The missense variant c.1483C>T(p.Arg495Trp) in MYBPC3 gene has been observed in heterozygous state in multiple individuals with hypertrophic cardiomyopathy (Coto et. al., 2012; García-Castro et. al., 2009). The p.Arg495Trp variant is novel (not in any individuals) in gnomAD Exomes and 1000 Genomes. This variant has been reported to the ClinVar database as Pathogenic / Likely_pathogenic (multiple submitters). The amino acid change p.Arg495Trp in MYBPC3 is predicted as conserved by GERP++ and PhyloP across 100 vertebrates. This variant disrupts the p.Arg495 amino acid residue in MYBPC3. Other variant(s) that disrupt this residue have been determined to be pathogenic (Marsiglia JD et. al., 2013). The amino acid Arg at position 495 is changed to a Trp changing protein sequence and it might alter its composition and physico-chemical properties. Functional studies will be required to confirm the pathogenicity of the variant. For these reasons, this variant has been classified as Likely Pathogenic.

CHEO Genetics Diagnostic Laboratory, Children's Hospital of Eastern Ontario
Classification: Pathogenic for Cardiomyopathy. Last evaluated: 2022-04-01. Review status: criteria provided, single submitter. Criteria: ACMG Guidelines, 2015. Collection method: clinical testing. Allele origin: germline. Study: Canadian Open Genetics Repository. Not counted in ClinVar's aggregate classification.

Rady Children's Institute for Genomic Medicine, Rady Children's Hospital San Diego
Classification: Pathogenic for CARDIOMYOPATHY, FAMILIAL HYPERTROPHIC, 4. Last evaluated: 2019-10-22. Review status: criteria provided, single submitter. Criteria: ACMG Guidelines, 2015. Collection method: clinical testing. Allele origin: germline. Affected: yes. Not counted in ClinVar's aggregate classification.
Comment: This variant has been previously reported as a heterozygous change in patients with hypertrophic cardiomyopathy or dilated cardiomyopathy (PMID: 19150014, 22765922, 27532257). It is absent from the ExAC and gnomAD population databases and thus is presumed to be rare. The c.1483C>T (p.Arg495Trp) variant affects a highly conserved amino acid and is predicted by multiple in silico tools to have a deleterious effect on protein function. Based on the available evidence, the c.1483C>T (p.Arg495Trp) variant is classified as Pathogenic.

Women's Health and Genetics/Laboratory Corporation of America, LabCorp
Classification: Likely pathogenic for Primary familial hypertrophic cardiomyopathy. Last evaluated: 2019-05-13. Review status: criteria provided, single submitter. Criteria: LabCorp Variant Classification Summary - May 2015. Collection method: clinical testing. Allele origin: germline. Not counted in ClinVar's aggregate classification.
Comment: Variant summary: MYBPC3 c.1483C>T (p.Arg495Trp) results in a non-conservative amino acid change located in the Immunoglobulin subtype 2 (IPR003598) domain and Immunoglobulin I-set (IPR013098) domain of the encoded protein sequence. Four of four in-silico tools predict a damaging effect of the variant on protein function. The variant was absent in 249906 control chromosomes (gnomAD) but has been reported in the literature in individuals affected with Hypertrophic Cardiomyopathy (Garcia-Castro_2009, Coto_2012, Rodriguez-Garcia_2010, Walsh_2017). These data indicate that the variant may be associated with disease. However, this variant was also found in two asymptomatic family members (Garcia-Castro_2009), suggesting incomplete penetrance. To our knowledge, no experimental evidence demonstrating an impact on protein function has been reported. Another missense change at this codon has been classified as pathogenic by our laboratory (p.Arg495Gly). Two submitters have provided clinical-significance assessments for this variant to ClinVar after 2014 without evidence for independent evaluation and classified the variant as pathogenic/likely pathogenic. Based on the evidence outlined above, the variant was classified as likely pathogenic.

Clinical Genetics Service, Universitary Hospital 12 de Octubre
Classification: Pathogenic for Hypertrophic cardiomyopathy 4. Review status: criteria provided, single submitter. Criteria: ACMG Guidelines, 2015. Collection method: clinical testing. Allele origin: germline. Affected: yes. Not counted in ClinVar's aggregate classification.

PreventionGenetics, part of Exact Sciences
Classification: Likely pathogenic for MYBPC3-related condition. Last evaluated: 2024-07-29. Review status: no assertion criteria provided. Collection method: clinical testing. Allele origin: germline. Not counted in ClinVar's aggregate classification.
Comment: The MYBPC3 c.1483C>T variant is predicted to result in the amino acid substitution p.Arg495Trp. This variant has been reported in several individuals with a diagnosis or clinical features consistent with hypertrophic cardiomyopathy (HCM) (see for example, García-Castro et al. 2009. PubMed ID: 19150014; Table 4, Coto et al. 2012. PubMed ID: 22765922; Table S2, Filatova et al. 2021. PubMed ID: 34598319; Table S8, McGurk et al. 2023. PubMed ID: 37652022) as well as an individual with dilated cardiomyopathy (DCM) (Table S3, Mazzarotto et al. 2020. PubMed ID: 31983221). It has also been reported in asymptomatic family members, suggestive of reduced penetrance (García-Castro et al. 2009. PubMed ID: 19150014). This variant has not been reported in a large population database, indicating this variant is rare. Alternate missense changes impacting the same amino acid (c.1483C>G; p.Arg495Gly and c.1484G>A; p.Arg495Gln) have been reported as pathogenic (Table S8, McGurk et al. 2023. PubMed ID: 37652022). Taken together, the c.1483C>T (p.Arg495Trp) variant is interpreted as likely pathogenic.

Agnes Ginges Centre for Molecular Cardiology, Centenary Institute
Classification: Likely pathogenic for Hypertrophic cardiomyopathy. Last evaluated: 2019-12-06. Review status: no assertion criteria provided. Collection method: research. Allele origin: germline. Inheritance: Autosomal dominant inheritance. Affected: yes. Not counted in ClinVar's aggregate classification.
Comment: The MYBPC3 Arg495Trp variant has been reported in at least >10 HCM cases (see literature), and was found to segregate in one family (GarcÃ­a-Castro M, et al., 2009). The variant is present at a low frequency in the Genome Aggregation Database (AF=0.000007). In silico tools SIFT, PolyPhen-2 and MutationTaster predict this variant to be deleterious. Furthermore different rare variants at this position (Arg495Gln and Arg495Gly) have been reported as pathogenic, suggesting that an amino acid substitution at this site may not be tolerated. Based on the adapted ACMG criteria (Kelly MA, et al., 2018) the variant has been reported in more than 10 HCM probands (PS4_supporting), is rare in the general population (PM2), other amino acid changes at this position have been classified as pathogenic (PM5) and multiple in silico tools predict that this variant is deleterious (PP3), therefore we classify MYBPC3 Arg495Trp as 'likely pathogenic'.

Clinical Genetics, Academic Medical Center
Classification: Pathogenic. Review status: no assertion criteria provided. Collection method: clinical testing. Allele origin: germline. Affected: yes. Study: VKGL Data-share Consensus. Not counted in ClinVar's aggregate classification.

Joint Genome Diagnostic Labs from Nijmegen and Maastricht, Radboudumc and MUMC+
Classification: Pathogenic. Review status: no assertion criteria provided. Collection method: clinical testing. Allele origin: germline. Affected: yes. Study: VKGL Data-share Consensus. Not counted in ClinVar's aggregate classification.

Literature cited by the submitters: PubMed 19150014 (cited by 9 submitters); PubMed 22765922 (cited by 5 submitters); PubMed 27532257 (cited by 8 submitters); PubMed 11499718 (cited by Labcorp Genetics (formerly Invitae), Labcorp); PubMed 18403758 (cited by Labcorp Genetics (formerly Invitae), Labcorp and 3billion); PubMed 19659763 (cited by Labcorp Genetics (formerly Invitae), Labcorp); PubMed 20019025 (cited by Labcorp Genetics (formerly Invitae), Labcorp); PubMed 20624503 (cited by Labcorp Genetics (formerly Invitae), Labcorp); PubMed 22857948 (cited by Labcorp Genetics (formerly Invitae), Labcorp); PubMed 23396983 (cited by Labcorp Genetics (formerly Invitae), Labcorp); PubMed 24093860 (cited by Labcorp Genetics (formerly Invitae), Labcorp); PubMed 18713777 (cited by 5 submitters); PubMed 20433692 (cited by 6 submitters); PubMed 22267749 (cited by Ambry Genetics); PubMed 23283745 (cited by 4 submitters); PubMed 23782526 (cited by Ambry Genetics and Agnes Ginges Centre for Molecular Cardiology, Centenary Institute); PubMed 24111713 (cited by 3 submitters); PubMed 25443708 (cited by 3 submitters); PubMed 27483260 (cited by 3 submitters); PubMed 28138913 (cited by 3 submitters); PubMed 28356264 (cited by 3 submitters); PubMed 30297972 (cited by Ambry Genetics and Women's Health and Genetics/Laboratory Corporation of America, LabCorp); PubMed 31919335 (cited by 3 submitters); PubMed 31983221 (cited by Ambry Genetics); PubMed 32030742 (cited by Ambry Genetics); PubMed 32492895 (cited by 3 submitters); PubMed 34542152 (cited by Ambry Genetics); PubMed 34598319 (cited by Ambry Genetics and Color Diagnostics, LLC DBA Color Health); PubMed 35626289 (cited by Ambry Genetics and Color Diagnostics, LLC DBA Color Health); PubMed 36136372 (cited by Ambry Genetics); PubMed 9562578 (cited by Ambry Genetics); PubMed 25351510 (cited by Color Diagnostics, LLC DBA Color Health and All of Us Research Program, National Institutes of Health); PubMed 28771489 (cited by Color Diagnostics, LLC DBA Color Health and All of Us Research Program, National Institutes of Health); PubMed 30696458 (cited by Color Diagnostics, LLC DBA Color Health); PubMed 33495597 (cited by Color Diagnostics, LLC DBA Color Health and All of Us Research Program, National Institutes of Health); PubMed 39160446 (cited by Color Diagnostics, LLC DBA Color Health); PubMed 21415409 (cited by Laboratory for Molecular Medicine, Mass General Brigham Personalized Medicine); PubMed 24793961 (cited by Agnes Ginges Centre for Molecular Cardiology, Centenary Institute).